The following is an entry in ClinVar:

ClinVar aggregate classification (germline): Uncertain significance (1 of 4 stars; one submission).

Conditions:
Cardiovascular phenotype. Identifiers: MedGen CN230736.

Submission:

Ambry Genetics
Classification: Uncertain significance for Cardiovascular phenotype. Last evaluated: 2018-06-22. Review status: criteria provided, single submitter. Criteria: Ambry Variant Classification Scheme 2023. Collection method: clinical testing. Allele origin: germline.
Comment: The c.5711_5712delTG variant, located in coding exon 45 of the CACNA1C gene, results from a deletion of two nucleotides at nucleotide positions 5711 to 5712, causing a translational frameshift with a predicted alternate stop codon (p.L1904Qfs*46). This alteration is expected to result in loss of function by premature protein truncation or nonsense-mediated mRNA decay. However, loss of function of CACNA1C has not been clearly established as a mechanism of disease. Since supporting evidence is limited at this time, the clinical significance of this alteration remains unclear.

NM_000719.7(CACNA1C):c.5711_5712del (p.Leu1904fs)

Genes: CACNA1C (calcium voltage-gated channel subunit alpha1 C; plus strand), CACNA1C-AS1 (CACNA1C antisense RNA 1; minus strand). Cytogenetic location: 12p13.33.
Variant type: Deletion.
Coding change: c.5711_5712del on transcript NM_000719.7 (MANE Select); coding-DNA positions 5711 to 5712, 2 bases deleted (TG; older notation c.5711_5712delTG).
Protein change: p.Leu1904fs; shifts the reading frame from leucine 1904.
Molecular consequence: frameshift variant.
Genome position (GRCh38, 1-based): chr12:2,686,196-2,686,197, TG deleted. VCF-style (leftmost placement, unchanged base first): chr12-2686195-CTG-C. GRCh37 (hg19) VCF-style: chr12-2795361-CTG-C.
Other names: c.5855_5856del, p.Leu1952fs (NM_001129827.2); c.5834_5835del, p.Leu1945fs (NM_001129829.2); c.5816_5817del, p.Leu1939fs (NM_001129830.3, NM_001167624.3); c.5795_5796del, p.Leu1932fs (NM_001129831.2); c.5771_5772del, p.Leu1924fs (NM_001129832.2); c.5768_5769del, p.Leu1923fs (NM_001129833.2, NM_001129834.2, NM_001129835.2); c.5762_5763del, p.Leu1921fs (NM_001129836.2); c.5735_5736del, p.Leu1912fs (NM_001129837.2, NM_001129838.2); and 6 more; short protein forms L1901fs, L1924fs, L1945fs, L1987fs, L1893fs, L1912fs, L1952fs, L1921fs.
Identifiers: ClinVar variation 1749244 (VCV001749244.2), dbSNP rs2534258735, ClinGen allele CA2580085120.